The following is an entry in ClinVar:

ClinVar aggregate classification (germline): Likely pathogenic (1 of 4 stars; one submission).

Conditions:
Epilepsy, familial focal, with variable foci 2 (FFEVF2). Identifiers: MedGen C4310709, MONDO:0014924, OMIM 617116.

Submission:

Centre for Mendelian Genomics, University Medical Centre Ljubljana
Classification: Likely pathogenic for Epilepsy, familial focal, with variable foci 2. Last evaluated: 2020-01-23. Review status: criteria provided, single submitter. Criteria: ACMG Guidelines, 2015. Collection method: clinical testing. Allele origin: unknown. Affected: yes.
Comment: This variant was classified as: Likely pathogenic. The following ACMG criteria were applied in classifying this variant: PVS1,PM2.

NM_006545.5(NPRL2):c.491dup (p.Asp165fs)

Gene: NPRL2 (NPR2 like, GATOR1 complex subunit; minus strand). Cytogenetic location: 3p21.31.
Variant type: Duplication.
Coding change: c.491dup on transcript NM_006545.5 (MANE Select); coding-DNA position 491, one base duplicated (C; older notation c.491dupC).
Protein change: p.Asp165fs; shifts the reading frame from aspartic acid 165.
Molecular consequence: frameshift variant.
Genome position (GRCh38, 1-based): chr3:50,348,968, G duplicated on the plus strand (C on the coding strand, the reverse complement: NPRL2 is on the minus strand); the first of 2 consecutive G bases (chr3:50,348,968-50,348,969); duplicating either gives the same sequence. VCF-style (leftmost placement, unchanged base first): chr3-50348967-T-TG. GRCh37 (hg19) VCF-style: chr3-50386398-T-TG.
Other names: short protein forms D165fs.
Identifiers: ClinVar variation 931493 (VCV000931493.3), dbSNP rs1703652698, ClinGen allele CA1139658102.
Genomic context (GRCh38, chr3:50,348,967, plus strand): 5'-GAAATCCTCCTTGTCTTTGGTAAAGACAGGTACATCATACTCCTGGGCCACCGGAGGGTC[T>TG]GGCCGCTGCTCAATCACCTTCAAGTGGATGGTGTTGGACTCATCTGCAGGGGGCCCCATC-3'